The following is an entry in ClinVar:

NM_001378328.1(CELSR1):c.5413A>G (p.Asn1805Asp)

Gene: CELSR1 (cadherin EGF LAG seven-pass G-type receptor 1; minus strand). Cytogenetic location: 22q13.31.
Variant type: single nucleotide variant.
Coding change: c.5413A>G on transcript NM_001378328.1 (MANE Select); coding-DNA position 5413, A replaced by G.
Protein change: p.Asn1805Asp; replaces asparagine 1805 with aspartic acid.
Molecular consequence: missense variant.
Genome position (GRCh38, 1-based): chr22:46,398,637, T>C on the plus strand (A>G on the coding strand, the complement: CELSR1 is on the minus strand). VCF-style: chr22-46398637-T-C. GRCh37 (hg19) VCF-style: chr22-46794534-T-C.
Other names: c.5413A>G, p.Asn1805Asp (NM_014246.4); short protein forms N1805D.
Identifiers: ClinVar variation 4279933 (VCV004279933.1).

ClinVar aggregate classification (germline): Uncertain significance (1 of 4 stars; one submission).

Conditions:
Lymphatic malformation 9. Identifiers: MedGen C5543365, MONDO:0030270, OMIM 619319.

gnomAD v4.1: 6 of 1,611,598 alleles (0.00037%); highest among the groups gnomAD compares: Non-Finnish European, 0.00051%; no homozygotes.

Submission:

Clinical Genomics Laboratory, Washington University in St. Louis
Classification: Uncertain significance for Lymphatic malformation 9. Last evaluated: 2025-02-12. Review status: criteria provided, single submitter. Criteria: ACMG Guidelines, 2015. Collection method: clinical testing. Allele origin: germline.
Comment: A CELSR1 c.5413A>G (p.Asn1805Asp) variant was identified at a near heterozygous allelic fraction of 49.4%, a frequency which may be consistent with germline origin. This variant, to our knowledge has not been reported in the medical literature. This variant is observed on 6/1,611,598 alleles in the general population (gnomAD v4.1.0), indicating it is not a common variant. Computational predictors suggest that the variant does not impact CELSR1 function. Due to limited information, and based on ACMG/AMP guidelines for variant interpretation (Richards S et al., PMID: 25741868), the clinical significance of the CELSR1 c.5413A>G (p.Asn1805Asp) is uncertain at this time.